The following is an entry in ClinVar:

NM_144508.5(KNL1):c.3178A>G (p.Ser1060Gly)

Gene: KNL1 (kinetochore scaffold 1; plus strand). Cytogenetic location: 15q15.1.
Variant type: single nucleotide variant.
Coding change: c.3178A>G on transcript NM_144508.5 (MANE Select); coding-DNA position 3178, A replaced by G.
Protein change: p.Ser1060Gly; replaces serine 1060 with glycine.
Molecular consequence: missense variant.
Genome position (GRCh38, 1-based): chr15:40,623,442, A>G. VCF-style: chr15-40623442-A-G. GRCh37 (hg19) VCF-style: chr15-40915640-A-G.
Other names: c.3256A>G, p.Ser1086Gly (NM_170589.5); short protein forms S1060G, S1086G.
Identifiers: ClinVar variation 2631932 (VCV002631932.2), dbSNP rs1033262852, ClinGen allele CA268826595.

ClinVar aggregate classification (germline): Uncertain significance (1 of 4 stars; one submission).

Conditions:
KNL1-related disorder. Also called: KNL1-related condition.

Allele frequency attached by ClinVar (database versions not stated): gnomAD 0.00001; TOPMed 0.00001.
gnomAD v4.1: 7 of 1,612,104 alleles (0.00043%); highest among the groups gnomAD compares: East Asian, 0.0022%; no homozygotes.

Submission:

PreventionGenetics, part of Exact Sciences
Classification: Uncertain significance for KNL1-related condition. Last evaluated: 2025-02-06. Review status: criteria provided, single submitter. Criteria: ACMG Guidelines, 2015. Collection method: clinical testing. Allele origin: germline.
Comment: The KNL1 c.3256A>G variant is predicted to result in the amino acid substitution p.Ser1086Gly. To our knowledge, this variant has not been reported in the literature or in gnomAD, indicating this variant is rare. At this time, the clinical significance of this variant is uncertain due to the absence of conclusive functional and genetic evidence.